The following is an entry in ClinVar:

ClinVar aggregate classification (germline): Uncertain significance. Review status: criteria provided, multiple submitters, no conflicts (2 of 4 stars). 3 submissions from 3 submitters: Uncertain significance (3). Last evaluated 2026-01-13.

Conditions:
Familial cancer of breast. Also called: BREAST CANCER, FAMILIAL; Hereditary breast cancer; hereditary breast carcinoma. Identifiers: Orphanet 227535, MedGen C0346153, MONDO:0016419, OMIM 114480. Disease mechanism: loss of function.
Hereditary cancer-predisposing syndrome. Also called: Tumor predisposition; Hereditary Cancer Syndrome; Hereditary neoplastic syndrome; Neoplastic Syndromes, Hereditary. Identifiers: Orphanet 140162, MedGen C0027672, MeSH D009386, MONDO:0015356.

Allele frequency attached by ClinVar (database versions not stated): gnomAD exomes 0.00001.
gnomAD v4.1: 5 of 1,595,936 alleles (0.00031%); highest among the groups gnomAD compares: Non-Finnish European, 0.00042%; no homozygotes.

Submissions (3):

Labcorp Genetics (formerly Invitae), Labcorp
Classification: Uncertain significance for Familial cancer of breast. Last evaluated: 2026-01-13. Review status: criteria provided, single submitter. Criteria: Invitae Variant Classification Sherloc (09022015). Collection method: clinical testing. Allele origin: germline.
Comment: This sequence change replaces valine, which is neutral and non-polar, with methionine, which is neutral and non-polar, at codon 469 of the CHEK2 protein (p.Val469Met). This variant is not present in population databases (gnomAD no frequency). This variant has not been reported in the literature in individuals affected with CHEK2-related conditions. ClinVar contains an entry for this variant (Variation ID: 182438). An algorithm developed to predict the effect of missense changes on protein structure and function (PolyPhen-2) suggests that this variant is likely to be disruptive. In summary, the available evidence is currently insufficient to determine the role of this variant in disease. Therefore, it has been classified as a Variant of Uncertain Significance.

Ambry Genetics
Classification: Uncertain significance for Hereditary cancer-predisposing syndrome. Last evaluated: 2025-03-03. Review status: criteria provided, single submitter. Criteria: Ambry Variant Classification Scheme 2023. Collection method: clinical testing. Allele origin: germline.
Comment: The p.V469M variant (also known as c.1405G>A), located in coding exon 12 of the CHEK2 gene, results from a G to A substitution at nucleotide position 1405. The valine at codon 469 is replaced by methionine, an amino acid with highly similar properties. This amino acid position is highly conserved in available vertebrate species. In addition, the in silico prediction for this alteration is inconclusive. Based on the available evidence, the clinical significance of this variant remains unclear.

GeneDx
Classification: Uncertain significance. Last evaluated: 2014-06-19. Review status: criteria provided, single submitter. Criteria: GeneDx Variant Classification (06012015). Collection method: clinical testing. Allele origin: germline. Affected: yes.
Comment: This variant is denoted CHEK2 c.1405G>A at the cDNA level, p.Val469Met (V469M) at the protein level, and results in the change of a Valine to a Methionine (GTG>ATG). This variant has not, to our knowledge, been published in the literature as pathogenic or benign. CHEK2 Val469Met was not observed in approximately 3,700 individuals of European and African American ancestry in the NHLBI Exome Sequencing Project, indicating it is not a common benign variant in these populations. Since Valine and Methionine share similar properties, this is considered a conservative amino acid substitution. CHEK2 Val469Met occurs at a position that is highly conserved across species and is located in the protein kinase domain (UniProt). In silico analyses predict that this variant is probably damaging to protein structure and function. Based on currently available information, it is unclear whether CHEK2 Val469Met is pathogenic or benign. We consider it to be a variant of uncertain significance.

NM_007194.4(CHEK2):c.1405G>A (p.Val469Met)

Gene: CHEK2 (checkpoint kinase 2; minus strand). Cytogenetic location: 22q12.1.
Variant type: single nucleotide variant.
Coding change: c.1405G>A on transcript NM_007194.4 (MANE Select); coding-DNA position 1405, G replaced by A.
Protein change: p.Val469Met; replaces valine 469 with methionine.
Molecular consequence: missense variant.
Genome position (GRCh38, 1-based): chr22:28,694,088, C>T on the plus strand (G>A on the coding strand, the complement: CHEK2 is on the minus strand). VCF-style: chr22-28694088-C-T. GRCh37 (hg19) VCF-style: chr22-29090076-C-T.
Other names: p.V469M:GTG>ATG; c.1534G>A, p.Val512Met (NM_001005735.3); c.742G>A, p.Val248Met (NM_001257387.3); c.1204G>A, p.Val402Met (NM_001349956.3); c.1318G>A, p.Val440Met (NM_145862.3); short protein forms V469M, V512M, V402M, V440M, V248M.
Identifiers: ClinVar variation 182438 (VCV000182438.11), dbSNP rs730881692, ClinGen allele CA299088.